The following is an entry in ClinVar:

ClinVar aggregate classification (germline): Likely pathogenic (1 of 4 stars; one submission).

Conditions:
Combined immunodeficiency due to LRBA deficiency. Also called: Common variable immunodeficiency 8, with autoimmunity. Identifiers: Orphanet 445018, MedGen C3553512, MONDO:0013863, OMIM 614700.

Submission:

Neuberg Centre For Genomic Medicine, NCGM
Classification: Likely pathogenic for Combined immunodeficiency due to LRBA deficiency. Review status: criteria provided, single submitter. Criteria: ACMG Guidelines, 2015. Collection method: clinical testing. Allele origin: germline. Inheritance: Autosomal recessive inheritance. Affected: yes.
Comment: The stop gained c.4139C>G (p.Ser1380Ter) variant in the LRBA gene has not been reported previously as a pathogenic variant nor as a benign variant, to our knowledge. This variant is absent in the gnomAD Exomes and 1000 Genomes. This variant is predicted to cause loss of normal protein function either through protein truncation or nonsense-mediated mRNA decay. Loss of function variants have been previously reported to be disease causing. The nucleotide change c.4139C>G in LRBA is predicted as conserved by GERP++ and PhyloP across 100 vertebrates. For these reasons, this variant has been classified as Likely Pathogenic. In the absence of another reportable variant, the molecular diagnosis is not confirmed.

NM_001364905.1(LRBA):c.4139C>G (p.Ser1380Ter)

Gene: LRBA (LPS responsive beige-like anchor protein; minus strand). Cytogenetic location: 4q31.3.
Variant type: single nucleotide variant.
Coding change: c.4139C>G on transcript NM_001364905.1 (MANE Select); coding-DNA position 4139, C replaced by G.
Protein change: p.Ser1380Ter; replaces serine 1380 with a stop codon.
Molecular consequence: nonsense.
Genome position (GRCh38, 1-based): chr4:150,849,441, G>C on the plus strand (C>G on the coding strand, the complement: LRBA is on the minus strand). VCF-style: chr4-150849441-G-C. GRCh37 (hg19) VCF-style: chr4-151770593-G-C.
Other names: c.4139C>G, p.Ser1380Ter (NM_001199282.3, NM_001367550.1, NM_006726.5); short protein forms S1380*.
Identifiers: ClinVar variation 3242159 (VCV003242159.1), dbSNP rs1353022856.
Genomic context (GRCh38, chr4:150,849,441, plus strand): 5'-CATGTTTTCACACCAATTTTCTATAGTAATTAAGTCCTTACTGTAGCCGATGTAGCAGCT[G>C]AAAGCAATGGCAGTATACCCCCACAAGCCATGACCATATTGTCCATCACTTGAGAGATGA-3'